The following is an entry in ClinVar:

ClinVar aggregate classification (germline): Uncertain significance. Review status: criteria provided, multiple submitters, no conflicts (2 of 4 stars). 2 submissions from 2 submitters: Uncertain significance (2). Last evaluated 2025-06-03.

Conditions:
Inborn genetic diseases. Identifiers: MedGen C0950123, MeSH D030342.

gnomAD v4.1: 28 of 1,614,000 alleles (0.0017%); highest among the groups gnomAD compares: African/African-American, 0.004%; no homozygotes.

Submissions (2):

Ambry Genetics
Classification: Uncertain significance for Inborn genetic diseases. Last evaluated: 2025-06-03. Review status: criteria provided, single submitter. Criteria: Ambry Variant Classification Scheme 2023. Collection method: clinical testing. Allele origin: germline.

GeneDx
Classification: Uncertain significance. Last evaluated: 2023-10-27. Review status: criteria provided, single submitter. Criteria: GeneDx Variant Classification Process June 2021. Collection method: clinical testing. Allele origin: germline. Affected: yes.
Comment: In silico analysis supports that this missense variant does not alter protein structure/function; Has not been previously published as pathogenic or benign to our knowledge

NM_144672.4(OTOA):c.2098G>C (p.Gly700Arg)

Gene: OTOA (otoancorin). Cytogenetic location: 16p12.2.
Variant type: single nucleotide variant.
Coding change: c.2098G>C on transcript NM_144672.4 (MANE Select); coding-DNA position 2098, G replaced by C.
Protein change: p.Gly700Arg; replaces glycine 700 with arginine.
Molecular consequence: missense variant.
Genome position (GRCh38, 1-based): chr16:21,728,322, G>C. VCF-style: chr16-21728322-G-C. GRCh37 (hg19) VCF-style: chr16-21739643-G-C.
Other names: c.1861G>C, p.Gly621Arg (NM_001161683.2); c.1126G>C, p.Gly376Arg (NM_170664.3); short protein forms G376R, G621R, G700R.
Identifiers: ClinVar variation 3363261 (VCV003363261.2).